The following is an entry in ClinVar:

NM_001100913.3(PACS2):c.1674G>A (p.Ala558=)

Gene: PACS2 (phosphofurin acidic cluster sorting protein 2; plus strand). Cytogenetic location: 14q32.33.
Variant type: single nucleotide variant.
Coding change: c.1674G>A on transcript NM_001100913.3 (MANE Select); coding-DNA position 1674, G replaced by A.
Protein change: p.Ala558=; no amino-acid change (alanine 558 retained).
Molecular consequence: synonymous variant.
Genome position (GRCh38, 1-based): chr14:105,383,407, G>A. VCF-style: chr14-105383407-G-A. GRCh37 (hg19) VCF-style: chr14-105849744-G-A.
Other names: c.1674G>A (NM_001100913.2); c.1437G>A, p.Ala479= (NM_001243127.3); c.1662G>A, p.Ala554= (NM_015197.4).
Identifiers: ClinVar variation 1618487 (VCV001618487.30), dbSNP rs375043527, ClinGen allele CA7388957.
Genomic context (GRCh38, chr14:105,383,407, plus strand): 5'-TCTGGATTGCAGCTGCAACTGCAATTCCCAGCCCCCGACCCCCGTGAAGATCGCCGTGGC[G>A]GGAGCGCAGCATTACCTCAGTGCCATCCTGCGGCTCTTTGTGGAGCAGCTGTCCCACAAG-3'
Protein context (NP_001094383.2, residues 548-568): QPPTPVKIAV[Ala558=]GAQHYLSAIL

ClinVar aggregate classification (germline): Benign/Likely benign. Review status: criteria provided, multiple submitters, no conflicts (2 of 4 stars). 3 submissions from 3 submitters: Benign (1); Likely benign (2). Last evaluated 2026-01-06.

Conditions:
Inborn genetic diseases. Identifiers: MedGen C0950123, MeSH D030342.

Allele frequency attached by ClinVar (database versions not stated): gnomAD 0.00006 and 0.00012; gnomAD exomes 0.00007 and 0.00021; ESP Exome Variant Server 0.00008; TOPMed 0.00016; ExAC 0.00018; 1000 Genomes Project 30x 0.00031; 1000 Genomes Project 0.00040.
gnomAD v4.1: 121 of 1,607,836 alleles (0.0075%); highest among the groups gnomAD compares: East Asian, 0.16%; no homozygotes.

Submissions (3):

Labcorp Genetics (formerly Invitae), Labcorp
Classification: Benign. Last evaluated: 2026-01-06. Review status: criteria provided, single submitter. Criteria: Invitae Variant Classification Sherloc (09022015). Collection method: clinical testing. Allele origin: germline.

Ambry Genetics
Classification: Likely benign for Inborn genetic diseases. Last evaluated: 2025-11-23. Review status: criteria provided, single submitter. Criteria: Ambry Variant Classification Scheme 2023. Collection method: clinical testing. Allele origin: germline.

CeGaT Center for Human Genetics Tuebingen
Classification: Likely benign. Last evaluated: 2024-08-01. Review status: criteria provided, single submitter. Criteria: CeGaT Center For Human Genetics Tuebingen Variant Classification Criteria Version 2. Collection method: clinical testing. Allele origin: germline. Affected: yes. Observed: 1 variant allele.
Comment: PACS2: BP4, BP7, BS1